The following is an entry in ClinVar:

NM_001242896.3(DEPDC5):c.4508_4511dup (p.Val1505fs)

Gene: DEPDC5 (DEP domain containing 5, GATOR1 subcomplex subunit; plus strand). Cytogenetic location: 22q12.3.
Variant type: Duplication.
Coding change: c.4508_4511dup on transcript NM_001242896.3 (MANE Select); coding-DNA positions 4508 to 4511, 4 bases duplicated (TCCA; older notation c.4508_4511dupTCCA).
Protein change: p.Val1505fs; shifts the reading frame from valine 1505.
Molecular consequence: frameshift variant. On other transcripts: non-coding transcript variant (5).
Genome position (GRCh38, 1-based): chr22:31,906,055-31,906,058, TCCA duplicated; duplicating any 4 consecutive bases within chr22:31,906,054-31,906,058 gives the same sequence; the c. name uses the placement nearest the transcript's 3' end. VCF-style (leftmost placement, unchanged base first): chr22-31906053-T-TATCC. GRCh37 (hg19) VCF-style: chr22-32302039-T-TATCC.
Other names: c.4481_4484dup, p.Val1496fs (NM_001136029.4); c.4208_4211dup, p.Val1405fs (NM_001242897.2); c.4442_4445dup, p.Val1483fs (NM_001363852.2, NM_001364320.2); c.4274_4277dup, p.Val1427fs (NM_001363854.2, NM_001364319.2); c.4508_4511dup, p.Val1505fs (NM_001364318.2); c.4424_4427dup, p.Val1477fs (NM_001369901.1, NM_001369902.1); c.4415_4418dup, p.Val1474fs (NM_001369903.1, NM_014662.6); short protein forms V1405fs, V1474fs, V1477fs, V1427fs, V1483fs, V1496fs, V1505fs.
Identifiers: ClinVar variation 1997056 (VCV001997056.4), dbSNP rs2523585627, ClinGen allele CA2580099646.

ClinVar aggregate classification (germline): Pathogenic (1 of 4 stars; one submission).

Conditions:
Familial focal epilepsy with variable foci (FPEVF). Identifiers: Orphanet 98820, MedGen C1858477, MONDO:0020310.

Submission:

Labcorp Genetics (formerly Invitae), Labcorp
Classification: Pathogenic for Familial focal epilepsy with variable foci. Last evaluated: 2022-09-27. Review status: criteria provided, single submitter. Criteria: Invitae Variant Classification Sherloc (09022015). Collection method: clinical testing. Allele origin: germline.
Comment: This sequence change creates a premature translational stop signal (p.Val1505Profs*63) in the DEPDC5 gene. While this is not anticipated to result in nonsense mediated decay, it is expected to disrupt the last 99 amino acid(s) of the DEPDC5 protein. This variant is not present in population databases (gnomAD no frequency). This variant has not been reported in the literature in individuals affected with DEPDC5-related conditions. This variant disrupts a region of the DEPDC5 protein in which other variant(s) (p.Gln1536*) have been determined to be pathogenic (PMID: 23542697, 25366275). This suggests that this is a clinically significant region of the protein, and that variants that disrupt it are likely to be disease-causing. For these reasons, this variant has been classified as Pathogenic.

Literature cited by the submitters: PubMed 23542697; PubMed 25366275.